The following is an entry in ClinVar:

ClinVar aggregate classification (germline): Uncertain significance (1 of 4 stars; one submission).

Conditions:
Sulfite oxidase deficiency due to molybdenum cofactor deficiency type A. Also called: Molybdenum Cofactor Deficiency A; Molybdenum cofactor deficiency, complementation group A. Identifiers: Orphanet 308386, Orphanet 833, MedGen C1854988, MONDO:0009643, OMIM 252150.

Submission:

Labcorp Genetics (formerly Invitae), Labcorp
Classification: Uncertain significance for Sulfite oxidase deficiency due to molybdenum cofactor deficiency type A. Last evaluated: 2020-12-08. Review status: criteria provided, single submitter. Criteria: Invitae Variant Classification Sherloc (09022015). Collection method: clinical testing. Allele origin: germline.
Comment: Algorithms developed to predict the effect of missense changes on protein structure and function (SIFT, PolyPhen-2, Align-GVGD) all suggest that this variant is likely to be disruptive, but these predictions have not been confirmed by published functional studies and their clinical significance is uncertain. This sequence change replaces tryptophan with cysteine at codon 275 of the MOCS1 protein (p.Trp275Cys). The tryptophan residue is highly conserved and there is a large physicochemical difference between tryptophan and cysteine. This variant is not present in population databases (ExAC no frequency). This variant has not been reported in the literature in individuals with MOCS1-related conditions. In summary, the available evidence is currently insufficient to determine the role of this variant in disease. Therefore, it has been classified as a Variant of Uncertain Significance.

NM_001358530.2(MOCS1):c.825G>T (p.Trp275Cys)

Gene: MOCS1 (molybdenum cofactor synthesis 1; minus strand). Cytogenetic location: 6p21.2.
Variant type: single nucleotide variant.
Coding change: c.825G>T on transcript NM_001358530.2 (MANE Select); coding-DNA position 825, G replaced by T.
Protein change: p.Trp275Cys; replaces tryptophan 275 with cysteine.
Molecular consequence: missense variant. On other transcripts: non-coding transcript variant (1).
Genome position (GRCh38, 1-based): chr6:39,912,937, C>A on the plus strand (G>T on the coding strand, the complement: MOCS1 is on the minus strand). VCF-style: chr6-39912937-C-A. GRCh37 (hg19) VCF-style: chr6-39880681-C-A.
Other names: c.825G>T, p.Trp275Cys (NM_001075098.4, NM_001358529.2, NM_005943.6); c.564G>T, p.Trp188Cys (NM_001358531.2, NM_001358533.2, NM_001358534.2); short protein forms W275C, W188C.
Identifiers: ClinVar variation 1491993 (VCV001491993.8), dbSNP rs2149403578, ClinGen allele CA364043665.